The following is an entry in ClinVar:

ClinVar aggregate classification (germline): Uncertain significance (1 of 4 stars; one submission).

Submission:

CeGaT Center for Human Genetics Tuebingen
Classification: Uncertain significance. Last evaluated: 2023-11-01. Review status: criteria provided, single submitter. Criteria: CeGaT Center For Human Genetics Tuebingen Variant Classification Criteria Version 2. Collection method: clinical testing. Allele origin: germline. Affected: yes. Observed: 1 variant allele.
Comment: KDM1A: PM2, PP2

NM_001009999.3(KDM1A):c.148G>A (p.Val50Ile)

Gene: KDM1A (lysine demethylase 1A; plus strand). Cytogenetic location: 1p36.12.
Variant type: single nucleotide variant.
Coding change: c.148G>A on transcript NM_001009999.3 (MANE Select); coding-DNA position 148, G replaced by A.
Protein change: p.Val50Ile; replaces valine 50 with isoleucine.
Molecular consequence: missense variant.
Genome position (GRCh38, 1-based): chr1:23,019,744, G>A. VCF-style: chr1-23019744-G-A. GRCh37 (hg19) VCF-style: chr1-23346237-G-A.
Other names: c.148G>A, p.Val50Ile (NM_001363654.2, NM_001410762.1, NM_001410763.1 and 1 more transcripts); short protein forms V50I.
Identifiers: ClinVar variation 2638475 (VCV002638475.24), dbSNP rs2522471260, ClinGen allele CA338950994.
Genomic context (GRCh38, chr1:23,019,744, plus strand): 5'-GGCTCCGAGAACGGGTCTGAGGTGGCCGCGCAGCCCGCGGGCCTGTCGGGCCCAGCCGAG[G>A]TCGGGCCGGGGGCGGTGGGGGAGCGCACACCCCGCAAGAAAGAGCCTCCGCGGGCCTCGC-3'
Protein context (NP_001009999.1, residues 40-60): QPAGLSGPAE[Val50Ile]GPGAVGERTP